The following is an entry in ClinVar:

NM_005677.4(COLQ):c.241A>G (p.Asn81Asp)

Gene: COLQ (collagen like tail subunit of asymmetric acetylcholinesterase; minus strand). Cytogenetic location: 3p25.1.
Variant type: single nucleotide variant.
Coding change: c.241A>G on transcript NM_005677.4 (MANE Select); coding-DNA position 241, A replaced by G.
Protein change: p.Asn81Asp; replaces asparagine 81 with aspartic acid.
Molecular consequence: missense variant. On other transcripts: intron variant (1).
Genome position (GRCh38, 1-based): chr3:15,488,286, T>C on the plus strand (A>G on the coding strand, the complement: COLQ is on the minus strand). VCF-style: chr3-15488286-T-C. GRCh37 (hg19) VCF-style: chr3-15529793-T-C.
Other names: c.211A>G, p.Asn71Asp (NM_080538.2); c.219+1239A>G (NM_080539.4); short protein forms N81D, N71D.
Identifiers: ClinVar variation 1408034 (VCV001408034.6), dbSNP rs748826424, ClinGen allele CA2276273.

ClinVar aggregate classification (germline): Uncertain significance (1 of 4 stars; one submission).

Conditions:
Congenital myasthenic syndrome 5. Identifiers: Orphanet 590, MedGen C1864233, MONDO:0011281, OMIM 603034.

Allele frequency attached by ClinVar (database versions not stated): gnomAD 0.00001; gnomAD exomes 0.00001; ExAC 0.00002.
gnomAD v4.1: 6 of 1,613,462 alleles (0.00037%); highest among the groups gnomAD compares: Admixed American, 0.0067%; no homozygotes.

Submission:

Labcorp Genetics (formerly Invitae), Labcorp
Classification: Uncertain significance for Congenital myasthenic syndrome 5. Last evaluated: 2021-10-18. Review status: criteria provided, single submitter. Criteria: Invitae Variant Classification Sherloc (09022015). Collection method: clinical testing. Allele origin: germline.
Comment: Algorithms developed to predict the effect of missense changes on protein structure and function are either unavailable or do not agree on the potential impact of this missense change (SIFT: "Tolerated"; PolyPhen-2: "Probably Damaging"; Align-GVGD: "Class C0"). In summary, the available evidence is currently insufficient to determine the role of this variant in disease. Therefore, it has been classified as a Variant of Uncertain Significance. This variant has not been reported in the literature in individuals affected with COLQ-related conditions. This variant is present in population databases (rs748826424, ExAC 0.02%). This sequence change replaces asparagine with aspartic acid at codon 81 of the COLQ protein (p.Asn81Asp). The asparagine residue is moderately conserved and there is a small physicochemical difference between asparagine and aspartic acid.